The following is an entry in ClinVar:

NM_004456.5(EZH2):c.1306G>A (p.Glu436Lys)

Gene: EZH2 (enhancer of zeste 2 polycomb repressive complex 2 subunit; minus strand). Cytogenetic location: 7q36.1.
Variant type: single nucleotide variant.
Coding change: c.1306G>A on transcript NM_004456.5 (MANE Select); coding-DNA position 1306, G replaced by A.
Protein change: p.Glu436Lys; replaces glutamic acid 436 with lysine.
Molecular consequence: missense variant.
Genome position (GRCh38, 1-based): chr7:148,817,326, C>T on the plus strand (G>A on the coding strand, the complement: EZH2 is on the minus strand). VCF-style: chr7-148817326-C-T. GRCh37 (hg19) VCF-style: chr7-148514418-C-T.
Other names: c.1291G>A, p.Glu431Lys (NM_001203247.2); c.1264G>A, p.Glu422Lys (NM_001203248.2, NM_001203249.2); c.1174G>A, p.Glu392Lys (NM_152998.3); short protein forms E431K, E392K, E436K, E422K.
Identifiers: ClinVar variation 1947598 (VCV001947598.5), dbSNP rs1804815861, ClinGen allele CA369715276.

ClinVar aggregate classification (germline): Uncertain significance (1 of 4 stars; one submission).

Conditions:
Weaver syndrome (WVS). Also called: Weaver Smith syndrome; Overgrowth syndrome with accelerated skeletal maturation, unusual facies, and camptodactyly. Identifiers: Orphanet 3447, MedGen C0265210, MONDO:0010193, OMIM 277590.

Allele frequency attached by ClinVar (database versions not stated): TOPMed below 0.00001.

Submission:

Labcorp Genetics (formerly Invitae), Labcorp
Classification: Uncertain significance for Weaver syndrome. Last evaluated: 2023-11-07. Review status: criteria provided, single submitter. Criteria: Invitae Variant Classification Sherloc (09022015). Collection method: clinical testing. Allele origin: germline.
Comment: This sequence change replaces glutamic acid, which is acidic and polar, with lysine, which is basic and polar, at codon 436 of the EZH2 protein (p.Glu436Lys). This variant is not present in population databases (gnomAD no frequency). This variant has not been reported in the literature in individuals affected with EZH2-related conditions. ClinVar contains an entry for this variant (Variation ID: 1947598). Advanced modeling of protein sequence and biophysical properties (such as structural, functional, and spatial information, amino acid conservation, physicochemical variation, residue mobility, and thermodynamic stability) performed at Invitae indicates that this missense variant is not expected to disrupt EZH2 protein function with a negative predictive value of 80%. In summary, the available evidence is currently insufficient to determine the role of this variant in disease. Therefore, it has been classified as a Variant of Uncertain Significance.